The following is an entry in ClinVar:

NM_007294.4(BRCA1):c.2202A>C (p.Lys734Asn)

Gene: BRCA1 (BRCA1 DNA repair associated; minus strand). Cytogenetic location: 17q21.31.
Variant type: single nucleotide variant.
Coding change: c.2202A>C on transcript NM_007294.4 (MANE Select); coding-DNA position 2202, A replaced by C.
Protein change: p.Lys734Asn; replaces lysine 734 with asparagine.
Molecular consequence: missense variant. On other transcripts: intron variant (137).
Genome position (GRCh38, 1-based): chr17:43,093,329, T>G on the plus strand (A>C on the coding strand, the complement: BRCA1 is on the minus strand). VCF-style: chr17-43093329-T-G. GRCh37 (hg19) VCF-style: chr17-41245346-T-G.
Other names: c.2058A>C, p.Lys686Asn (NM_001407741.1, NM_001407742.1, NM_001407743.1 and 20 more transcripts); c.2061A>C, p.Lys687Asn (NM_001407750.1, NM_001407751.1, NM_001407752.1 and 29 more transcripts); c.784+1415A>C (NM_001407984.1, NM_001408397.1, NM_001408407.1 and 13 more transcripts); c.664+1415A>C (NM_001408443.1, NM_001408439.1, NM_001408425.1 and 12 more transcripts); c.671-2297A>C (NM_001408419.1, NM_001408422.1, NM_001408418.1 and 2 more transcripts); c.787+1415A>C (NM_001408403.1, NM_001407983.1, NM_001407975.1 and 17 more transcripts); c.790+1412A>C (NM_001408406.1); c.646+1415A>C (NM_001408456.1, NM_001408458.1, NM_001408469.1 and 11 more transcripts); and 41 more; short protein forms K438N, K566N, K606N, K607N, K622N, K623N, K645N, K646N.
Identifiers: ClinVar variation 4856589 (VCV004856589.1).

ClinVar aggregate classification (germline): Likely benign (1 of 4 stars; one submission).

Conditions:
Breast-ovarian cancer, familial, susceptibility to, 1 (BROVCA1). Also called: OVARIAN CANCER, SUSCEPTIBILITY TO; BRCA1 Hereditary Breast and Ovarian Cancer. Identifiers: Orphanet 145, MedGen C2676676, MONDO:0011450, OMIM 604370. Disease mechanism: loss of function.

gnomAD v4.1: 1 of 1,613,512 alleles (0.000062%); highest among the groups gnomAD compares: Non-Finnish European, 0.000085%; no homozygotes.

Submission:

Cancer Bioinformatics and Tumour Evolution Laboratory, Monash University
Classification: Likely benign for Breast-ovarian cancer, familial, susceptibility to, 1. Last evaluated: 2026-05-01. Review status: criteria provided, single submitter. Criteria: ClinGen BRCA1 and BRCA2 Guidelines, 2024. Collection method: curation. Allele origin: germline. Inheritance: Autosomal dominant inheritance.
Comment: Missense variant outside of a functional domain with no splice impact. BRCA1 and BRCA2 VCEP guidelines recommend application of BP1_Strong (PMID: 39142283)